The following is an entry in ClinVar:

ClinVar aggregate classification (germline): Pathogenic (1 of 4 stars; one submission).

Conditions:
ABCB11-related disorder. Also called: ABCB11-related condition.

Submission:

PreventionGenetics, part of Exact Sciences
Classification: Pathogenic for ABCB11-related condition. Last evaluated: 2026-05-22. Review status: criteria provided, single submitter. Criteria: ACMG Guidelines, 2015. Collection method: clinical testing. Allele origin: germline.
Comment: The ABCB11 c.1658delG variant is predicted to result in a frameshift and premature protein termination (p.Gly553Glufs*7). To our knowledge, this variant has not been reported in the literature or in a large population database, indicating this variant is rare. Frameshift variants in ABCB11 are expected to be pathogenic. This variant is interpreted as pathogenic.

NM_003742.4(ABCB11):c.1658del (p.Gly553fs)

Gene: ABCB11 (ATP binding cassette subfamily B member 11; minus strand). Cytogenetic location: 2q31.1.
Variant type: Deletion.
Coding change: c.1658del on transcript NM_003742.4 (MANE Select); coding-DNA position 1658, one base deleted (G; older notation c.1658delG).
Protein change: p.Gly553fs; shifts the reading frame from glycine 553.
Molecular consequence: frameshift variant.
Genome position (GRCh38, 1-based): chr2:168,970,196, C deleted on the plus strand (G on the coding strand, the reverse complement: ABCB11 is on the minus strand); the first of 2 consecutive C bases (chr2:168,970,196-168,970,197); deleting either gives the same sequence. VCF-style (leftmost placement, unchanged base first): chr2-168970195-TC-T. GRCh37 (hg19) VCF-style: chr2-169826705-TC-T.
Other names: short protein forms G553fs.
Identifiers: ClinVar variation 5002129 (VCV005002129.1).